The following is an entry in ClinVar:

ClinVar aggregate classification (germline): Uncertain significance (1 of 4 stars; one submission).

gnomAD v4.1: 1 of 1,537,028 alleles (0.000065%); highest among the groups gnomAD compares: South Asian, 0.0012%; no homozygotes.

Submission:

Women's Health and Genetics/Laboratory Corporation of America, LabCorp
Classification: Uncertain significance. Last evaluated: 2024-05-01. Review status: criteria provided, single submitter. Criteria: LabCorp Variant Classification Summary - May 2015. Collection method: clinical testing. Allele origin: germline.
Comment: Variant summary: PTPRQ c.1375A>T (p.Thr459Ser) results in a conservative amino acid change in the encoded protein sequence. Two of four in-silico tools predict a benign effect of the variant on protein function. The variant was absent in 144670 control chromosomes. The available data on variant occurrences in the general population are insufficient to allow any conclusion about variant significance. To our knowledge, no occurrence of c.1375A>T in individuals affected with Autosomal Recessive Nonsyndromic Hearing Loss 84A and no experimental evidence demonstrating its impact on protein function have been reported. No submitters have cited clinical-significance assessments for this variant to ClinVar. Based on the evidence outlined above, the variant was classified as uncertain significance.

NM_001145026.2(PTPRQ):c.1375A>T (p.Met459Leu)

Gene: PTPRQ (protein tyrosine phosphatase receptor type Q; plus strand). Cytogenetic location: 12q21.31.
Variant type: single nucleotide variant.
Coding change: c.1375A>T on transcript NM_001145026.2 (MANE Select); coding-DNA position 1375, A replaced by T.
Protein change: p.Met459Leu; replaces methionine 459 with leucine.
Molecular consequence: missense variant.
Genome position (GRCh38, 1-based): chr12:80,493,290, A>T. VCF-style: chr12-80493290-A-T. GRCh37 (hg19) VCF-style: chr12-80887069-A-T.
Other names: short protein forms M459L.
Identifiers: ClinVar variation 3336279 (VCV003336279.1).